The following is an entry in ClinVar:

ClinVar aggregate classification (germline): Uncertain significance (1 of 4 stars; one submission).

Conditions:
Fanconi anemia (FA). Also called: Fanconi's anemia. Identifiers: Orphanet 84, MedGen C0015625, MeSH D005199, MONDO:0019391.

Allele frequency attached by ClinVar (database versions not stated): TOPMed below 0.00001; gnomAD 0.00001; ExAC 0.00002; gnomAD exomes 0.00001.
gnomAD v4.1: 4 of 1,613,674 alleles (0.00025%); highest among the groups gnomAD compares: Non-Finnish European, 0.00034%; no homozygotes.

Submission:

Labcorp Genetics (formerly Invitae), Labcorp
Classification: Uncertain significance for Fanconi anemia. Last evaluated: 2024-04-22. Review status: criteria provided, single submitter. Criteria: Invitae Variant Classification Sherloc (09022015). Collection method: clinical testing. Allele origin: germline.
Comment: This sequence change replaces leucine, which is neutral and non-polar, with methionine, which is neutral and non-polar, at codon 976 of the FANCD2 protein (p.Leu976Met). This variant is present in population databases (rs753809948, gnomAD 0.003%). This variant has not been reported in the literature in individuals affected with FANCD2-related conditions. ClinVar contains an entry for this variant (Variation ID: 959142). Advanced modeling of protein sequence and biophysical properties (such as structural, functional, and spatial information, amino acid conservation, physicochemical variation, residue mobility, and thermodynamic stability) performed at Invitae indicates that this missense variant is not expected to disrupt FANCD2 protein function with a negative predictive value of 80%. In summary, the available evidence is currently insufficient to determine the role of this variant in disease. Therefore, it has been classified as a Variant of Uncertain Significance.

NM_001018115.3(FANCD2):c.2926C>A (p.Leu976Met)

Genes: FANCD2 (FA complementation group D2; plus strand), LOC107303338 (3p25 FANCD2 Alu-mediated recombination region; plus strand). Cytogenetic location: 3p25.3.
Variant type: single nucleotide variant.
Coding change: c.2926C>A on transcript NM_001018115.3 (MANE Select); coding-DNA position 2926, C replaced by A.
Protein change: p.Leu976Met; replaces leucine 976 with methionine.
Molecular consequence: missense variant.
Genome position (GRCh38, 1-based): chr3:10,078,147, C>A. VCF-style: chr3-10078147-C-A. GRCh37 (hg19) VCF-style: chr3-10119831-C-A.
Other names: c.2926C>A, p.Leu976Met (NM_001319984.2, NM_001374254.1, NM_033084.6); c.2815C>A, p.Leu939Met (NM_001374253.1); short protein forms L939M, L976M.
Identifiers: ClinVar variation 959142 (VCV000959142.8), dbSNP rs753809948, ClinGen allele CA2250227.